The following is an entry in ClinVar:

NM_000245.4(MET):c.3181G>C (p.Glu1061Gln)

Gene: MET (MET proto-oncogene, receptor tyrosine kinase; plus strand). Cytogenetic location: 7q31.2.
Variant type: single nucleotide variant.
Coding change: c.3181G>C on transcript NM_000245.4 (MANE Select); coding-DNA position 3181, G replaced by C.
Protein change: p.Glu1061Gln; replaces glutamic acid 1061 with glutamine.
Molecular consequence: missense variant.
Genome position (GRCh38, 1-based): chr7:116,775,033, G>C. VCF-style: chr7-116775033-G-C. GRCh37 (hg19) VCF-style: chr7-116415087-G-C.
Other names: c.3235G>C, p.Glu1079Gln (NM_001127500.3); c.1891G>C, p.Glu631Gln (NM_001324402.2); short protein forms E1061Q, E1079Q, E631Q.
Identifiers: ClinVar variation 1366301 (VCV001366301.6), dbSNP rs2117031426, ClinGen allele CA368988509.

ClinVar aggregate classification (germline): Uncertain significance (1 of 4 stars; one submission).

Conditions:
Renal cell carcinoma. Identifiers: Orphanet 217071, MedGen C0007134, MeSH D002292, MONDO:0005086, HP:0005584.

Submission:

Labcorp Genetics (formerly Invitae), Labcorp
Classification: Uncertain significance for Renal cell carcinoma. Last evaluated: 2021-10-12. Review status: criteria provided, single submitter. Criteria: Invitae Variant Classification Sherloc (09022015). Collection method: clinical testing. Allele origin: germline.
Comment: In summary, the available evidence is currently insufficient to determine the role of this variant in disease. Therefore, it has been classified as a Variant of Uncertain Significance. Algorithms developed to predict the effect of missense changes on protein structure and function (SIFT, PolyPhen-2, Align-GVGD) all suggest that this variant is likely to be tolerated. This variant has not been reported in the literature in individuals affected with MET-related conditions. This variant is not present in population databases (ExAC no frequency). This sequence change replaces glutamic acid with glutamine at codon 1079 of the MET protein (p.Glu1079Gln). The glutamic acid residue is moderately conserved and there is a small physicochemical difference between glutamic acid and glutamine.